The following is an entry in ClinVar:

ClinVar aggregate classification (germline): Uncertain significance (1 of 4 stars; one submission).

Allele frequency attached by ClinVar (database versions not stated): ExAC 0.00001; gnomAD exomes below 0.00001; TOPMed 0.00001.
gnomAD v4.1: 2 of 1,607,502 alleles (0.00012%); highest among the groups gnomAD compares: African/African-American, 0.0027%; no homozygotes.

Submission:

Labcorp Genetics (formerly Invitae), Labcorp
Classification: Uncertain significance. Last evaluated: 2025-10-29. Review status: criteria provided, single submitter. Criteria: Invitae Variant Classification Sherloc (09022015). Collection method: clinical testing. Allele origin: germline.
Comment: This sequence change replaces aspartic acid, which is acidic and polar, with tyrosine, which is neutral and polar, at codon 1350 of the SI protein (p.Asp1350Tyr). This variant is present in population databases (rs759574456, gnomAD 0.007%). This variant has not been reported in the literature in individuals affected with SI-related conditions. ClinVar contains an entry for this variant (Variation ID: 1972446). Invitae Evidence Modeling of protein sequence and biophysical properties (such as structural, functional, and spatial information, amino acid conservation, physicochemical variation, residue mobility, and thermodynamic stability) has been performed for this missense variant. However, the output from this modeling did not meet the statistical confidence thresholds required to predict the impact of this variant on SI protein function. In summary, the available evidence is currently insufficient to determine the role of this variant in disease. Therefore, it has been classified as a Variant of Uncertain Significance.

NM_001041.4(SI):c.4048G>T (p.Asp1350Tyr)

Gene: SI (sucrase-isomaltase; minus strand). Cytogenetic location: 3q26.1.
Variant type: single nucleotide variant.
Coding change: c.4048G>T on transcript NM_001041.4 (MANE Select); coding-DNA position 4048, G replaced by T.
Protein change: p.Asp1350Tyr; replaces aspartic acid 1350 with tyrosine.
Molecular consequence: missense variant.
Genome position (GRCh38, 1-based): chr3:165,012,994, C>A on the plus strand (G>T on the coding strand, the complement: SI is on the minus strand). VCF-style: chr3-165012994-C-A. GRCh37 (hg19) VCF-style: chr3-164730782-C-A.
Other names: short protein forms D1350Y.
Identifiers: ClinVar variation 1972446 (VCV001972446.5), dbSNP rs759574456, ClinGen allele CA2690043.